The following is an entry in ClinVar:

ClinVar aggregate classification (germline): Uncertain significance. Review status: criteria provided, multiple submitters, no conflicts (2 of 4 stars). 2 submissions from 2 submitters: Uncertain significance (2). Last evaluated 2025-04-25.

Allele frequency attached by ClinVar (database versions not stated): gnomAD 0.00001; TOPMed 0.00001; gnomAD exomes 0.00002 and 0.00003; ExAC 0.00003.
gnomAD v4.1: 31 of 1,614,016 alleles (0.0019%); highest among the groups gnomAD compares: Non-Finnish European, 0.0024%; no homozygotes.

Submissions (2):

Ambry Genetics
Classification: Uncertain significance. Last evaluated: 2025-04-25. Review status: criteria provided, single submitter. Criteria: Ambry Variant Classification Scheme 2023. Collection method: clinical testing. Allele origin: germline.

Labcorp Genetics (formerly Invitae), Labcorp
Classification: Uncertain significance. Last evaluated: 2024-04-29. Review status: criteria provided, single submitter. Criteria: Invitae Variant Classification Sherloc (09022015). Collection method: clinical testing. Allele origin: germline.
Comment: This sequence change replaces arginine, which is basic and polar, with glutamine, which is neutral and polar, at codon 871 of the KIF20A protein (p.Arg871Gln). This variant is present in population databases (rs765098249, gnomAD 0.006%). This variant has not been reported in the literature in individuals affected with KIF20A-related conditions. ClinVar contains an entry for this variant (Variation ID: 1513294). An algorithm developed to predict the effect of missense changes on protein structure and function (PolyPhen-2) suggests that this variant is likely to be disruptive. In summary, the available evidence is currently insufficient to determine the role of this variant in disease. Therefore, it has been classified as a Variant of Uncertain Significance.

NM_005733.3(KIF20A):c.2612G>A (p.Arg871Gln)

Gene: KIF20A (kinesin family member 20A; plus strand). Cytogenetic location: 5q31.2.
Variant type: single nucleotide variant.
Coding change: c.2612G>A on transcript NM_005733.3 (MANE Select); coding-DNA position 2612, G replaced by A.
Protein change: p.Arg871Gln; replaces arginine 871 with glutamine.
Molecular consequence: missense variant.
Genome position (GRCh38, 1-based): chr5:138,187,352, G>A. VCF-style: chr5-138187352-G-A. GRCh37 (hg19) VCF-style: chr5-137523041-G-A.
Other names: c.2612G>A (NM_005733.2); short protein forms R871Q.
Identifiers: ClinVar variation 1513294 (VCV001513294.7), dbSNP rs765098249, ClinGen allele CA3426945.